The following is an entry in ClinVar:

ClinVar aggregate classification (germline): Likely pathogenic (1 of 4 stars; one submission).

Submission:

Labcorp Genetics (formerly Invitae), Labcorp
Classification: Likely pathogenic. Last evaluated: 2023-04-22. Review status: criteria provided, single submitter. Criteria: Invitae Variant Classification Sherloc (09022015). Collection method: clinical testing. Allele origin: unknown.
Comment: This variant results in a copy number gain of the genomic region encompassing exon(s) 4 of the USH2A gene. While the exact position of this variant cannot be determined from the data, sub-genic copy number gains are generally in tandem (PMID: 25640679). This variant is predicted to be out-of-frame, and may result in an absent or disrupted protein product. Loss-of-function variants in USH2A are known to be pathogenic (PMID: 10729113, 10909849, 20507924, 25649381). In summary, the currently available evidence indicates that the variant is pathogenic, but additional data are needed to prove that conclusively. Therefore, this variant has been classified as Likely Pathogenic. This variant has not been reported in the literature in individuals affected with USH2A-related conditions.

Literature cited by the submitters: PubMed 25640679; PubMed 10729113; PubMed 10909849; PubMed 20507924; PubMed 25649381.

NC_000001.10:g.(?_216538275)_(216538447_?)dup

Gene: USH2A (usherin; minus strand). Cytogenetic location: 1q41.
Variant type: Duplication.
Identifiers: ClinVar variation 3248076 (VCV003248076.1).